The following is an entry in ClinVar:

NC_000012.12:g.(?_32792404)_(32896751_?)del

Genes: PKP2 (plakophilin 2; minus strand), LOC129390434 (MPRA-validated peak1670 silencer; plus strand). Cytogenetic location: 12p11.21.
Variant type: Deletion.
Identifiers: ClinVar variation 584074 (VCV000584074.1).

ClinVar aggregate classification (germline): Pathogenic (1 of 4 stars; one submission).

Conditions:
Arrhythmogenic right ventricular dysplasia 9 (ARVD9). Also called: Arrhythmogenic Right Ventricular Dysplasia/Cardiomyopathy 9; ARRHYTHMOGENIC RIGHT VENTRICULAR DYSPLASIA, FAMILIAL, 9. Identifiers: MedGen C1836906, MONDO:0012180, OMIM 609040.

Submission:

Labcorp Genetics (formerly Invitae), Labcorp
Classification: Pathogenic for Arrhythmogenic right ventricular cardiomyopathy, type 9. Last evaluated: 2018-04-26. Review status: criteria provided, single submitter. Criteria: Invitae Variant Classification Sherloc (09022015). Collection method: clinical testing. Allele origin: germline.
Comment: A gross deletion of the genomic region encompassing the full coding sequence of the PKP2 gene has been identified. The boundaries of this event are unknown as the deletion extends beyond the assayed region for this gene and therefore may encompass additional genes. This variant has not been reported in the literature in individuals with PKP2-related disease. Isolated whole-gene deletions of PKP2 have not been reported in the literature. However, larger copy number events that include this gene have been reported (PMID: 28431057, 27030002, 23486541, 22889254). Loss-of-function variants in PKP2 are known to be pathogenic (PMID: 15489853, 23911551). For these reasons, this variant has been classified as Pathogenic.

Literature cited by the submitters: PubMed 27030002; PubMed 28431057; PubMed 22889254; PubMed 23486541.